The following is an entry in ClinVar:

ClinVar aggregate classification (germline): Pathogenic. Review status: criteria provided, multiple submitters, no conflicts (2 of 4 stars). 3 submissions from 3 submitters: Pathogenic (3). Last evaluated 2025-08-06.

Conditions:
Cardiovascular phenotype. Identifiers: MedGen CN230736.
Hereditary cancer-predisposing syndrome. Also called: Hereditary Cancer Syndrome; Hereditary neoplastic syndrome; Tumor predisposition; Neoplastic Syndromes, Hereditary. Identifiers: Orphanet 140162, MedGen C0027672, MeSH D009386, MONDO:0015356.
Neurofibromatosis, type 1 (NF1). Also called: VON RECKLINGHAUSEN DISEASE; NEUROFIBROMATOSIS, TYPE I, SOMATIC; Peripheral type neurofibromatosis; Neurofibromatosis, type I. Identifiers: Orphanet 636, MedGen C0027831, MONDO:0018975, OMIM 162200. Disease mechanism: loss of function.

Submissions (3):

Labcorp Genetics (formerly Invitae), Labcorp
Classification: Pathogenic for Neurofibromatosis, type 1. Last evaluated: 2025-08-06. Review status: criteria provided, single submitter. Criteria: Invitae Variant Classification Sherloc (09022015). Collection method: clinical testing. Allele origin: germline.
Comment: This sequence change creates a premature translational stop signal (p.Phe934Leufs*4) in the NF1 gene. It is expected to result in an absent or disrupted protein product. Loss-of-function variants in NF1 are known to be pathogenic (PMID: 10712197, 23913538). This variant is not present in population databases (gnomAD no frequency). This premature translational stop signal has been observed in individual(s) with neurofibromatosis type 1 (PMID: 23913538). ClinVar contains an entry for this variant (Variation ID: 457601). For these reasons, this variant has been classified as Pathogenic.

GeneDx
Classification: Pathogenic. Last evaluated: 2025-06-13. Review status: criteria provided, single submitter. Criteria: GeneDx Variant Classification Process June 2021. Collection method: clinical testing. Allele origin: germline. Affected: yes.
Comment: Frameshift variant predicted to result in protein truncation or nonsense mediated decay in a gene for which loss of function is a known mechanism of disease; Not observed at significant frequency in large population cohorts (gnomAD); This variant is associated with the following publications: (PMID: 30098238, 23913538)

Ambry Genetics
Classification: Pathogenic for Cardiovascular phenotype; Hereditary cancer-predisposing syndrome. Last evaluated: 2025-03-24. Review status: criteria provided, single submitter. Criteria: Ambry Variant Classification Scheme 2023. Collection method: clinical testing. Allele origin: germline.
Comment: The c.2802delT pathogenic mutation, located in coding exon 21 of the NF1 gene, results from a deletion of one nucleotide at nucleotide position 2802, causing a translational frameshift with a predicted alternate stop codon (p.F934Lfs*4). This variant was reported in individual(s) with features consistent with neurofibromatosis type 1 (Sabbagh A et al. Hum Mutat, 2013 Nov;34:1510-8; Ambry internal data). This variant is considered to be rare based on population cohorts in the Genome Aggregation Database (gnomAD). This alteration is expected to result in loss of function by premature protein truncation or nonsense-mediated mRNA decay. As such, this alteration is interpreted as a disease-causing mutation.

Literature cited by the submitters: PubMed 10712197 (cited by Labcorp Genetics (formerly Invitae), Labcorp); PubMed 23913538 (cited by Labcorp Genetics (formerly Invitae), Labcorp and Ambry Genetics).

NM_001042492.3(NF1):c.2802del (p.Phe934fs)

Gene: NF1 (neurofibromin 1; plus strand). Cytogenetic location: 17q11.2.
Variant type: Deletion.
Coding change: c.2802del on transcript NM_001042492.3 (MANE Select); coding-DNA position 2802, one base deleted (T; older notation c.2802delT).
Protein change: p.Phe934fs; shifts the reading frame from phenylalanine 934.
Molecular consequence: frameshift variant.
Genome position (GRCh38, 1-based): chr17:31,229,417, T deleted; the last of 3 consecutive T bases (chr17:31,229,415-31,229,417); deleting any one gives the same sequence. VCF-style (leftmost placement, unchanged base first): chr17-31229414-AT-A. GRCh37 (hg19) VCF-style: chr17-29556432-AT-A.
Other names: c.2802delT (NM_000267.3); c.2802delT, p.Phe934Leufs (NM_000267.4); short protein forms F934fs.
Identifiers: ClinVar variation 457601 (VCV000457601.7), dbSNP rs1555614343, ClinGen allele CA658656545.
Genomic context (GRCh38, chr17:31,229,414, plus strand): 5'-ACGGACCAATGTTAAGGATCTGGTGGGTCTAGAATTGAGTCCTGCTCTGTATCCAATGCT[AT>A]TTAACAAATTGAAGAATACCATCAGCAAGTTTTTTGACTCCCAAGGACAGGTAAAGTGTT-3'